The following is an entry in ClinVar:

ClinVar aggregate classification (germline): Likely pathogenic (1 of 4 stars; one submission).

Conditions:
Intellectual developmental disorder, autosomal recessive 65. Also called: MENTAL RETARDATION, AUTOSOMAL RECESSIVE 65; Intellectual disability, autosomal recessive 65. Identifiers: MedGen C4748219, MONDO:0020850, OMIM 618109.

Submission:

Clinical Genomics Laboratory, Washington University in St. Louis
Classification: Likely pathogenic for Intellectual developmental disorder, autosomal recessive 65. Last evaluated: 2026-03-22. Review status: criteria provided, single submitter. Criteria: ACMG Guidelines, 2015. Collection method: clinical testing. Allele origin: germline. Affected: yes.
Comment: The KDM5B c.2049_2050insA (p.Leu684Thrfs*5) variant, to our knowledge, has not been reported in the medical literature. This variant causes a frameshift by inserting a single nucleotide, leading to a premature termination codon, which is predicted to lead to nonsense mediated decay. This variant is absent from the general population (gnomAD v2.1.1), indicating it is not a common variant. Based on available information and the ACMG/AMP guidelines for variant interpretation (Richards S et al., PMID: 25741868), this variant is classified as likely pathogenic.

NM_006618.5(KDM5B):c.2049_2050insA (p.Leu684fs)

Gene: KDM5B (lysine demethylase 5B; minus strand). Cytogenetic location: 1q32.1.
Variant type: Insertion.
Coding change: c.2049_2050insA on transcript NM_006618.5 (MANE Select); coding-DNA positions 2049 to 2050, A inserted.
Protein change: p.Leu684fs; shifts the reading frame from leucine 684.
Molecular consequence: frameshift variant.
Genome position: GRCh38 VCF-style: chr1-202746290-G-GT. GRCh37 (hg19) VCF-style: chr1-202715418-G-GT.
Other names: c.2157_2158insA, p.Leu720fs (NM_001314042.2); c.1914_1915insA, p.Leu639fs (NM_001347591.2); c.2034_2035insA, p.Leu679fs (NM_001399817.1); short protein forms L639fs, L679fs, L684fs, L720fs.
Identifiers: ClinVar variation 4879250 (VCV004879250.1).